The following is an entry in ClinVar:

NM_006269.2(RP1):c.2591_2592del (p.Ile864fs)

Gene: RP1 (RP1 axonemal microtubule associated; plus strand). Cytogenetic location: 8q12.1.
Variant type: Deletion.
Coding change: c.2591_2592del on transcript NM_006269.2 (MANE Select); coding-DNA positions 2591 to 2592, 2 bases deleted (TA; older notation c.2591_2592delTA).
Protein change: p.Ile864fs; shifts the reading frame from isoleucine 864.
Molecular consequence: frameshift variant. On other transcripts: intron variant (1).
Genome position (GRCh38, 1-based): chr8:54,626,473-54,626,474, TA deleted; deleting any 2 consecutive bases within chr8:54,626,472-54,626,474 gives the same sequence; the c. name uses the placement nearest the transcript's 3' end. VCF-style (leftmost placement, unchanged base first): chr8-54626471-CAT-C. GRCh37 (hg19) VCF-style: chr8-55539031-CAT-C.
Other names: c.787+4185_787+4186del (NM_001375654.1); short protein forms I864fs.
Identifiers: ClinVar variation 2108406 (VCV002108406.4), dbSNP rs2536575656, ClinGen allele CA2580078396.

ClinVar aggregate classification (germline): Pathogenic (1 of 4 stars; one submission).

Submission:

Labcorp Genetics (formerly Invitae), Labcorp
Classification: Pathogenic. Last evaluated: 2025-07-31. Review status: criteria provided, single submitter. Criteria: Invitae Variant Classification Sherloc (09022015). Collection method: clinical testing. Allele origin: germline.
Comment: This sequence change creates a premature translational stop signal (p.Ile864Asnfs*9) in the RP1 gene. While this is not anticipated to result in nonsense mediated decay, it is expected to disrupt the last 1293 amino acid(s) of the RP1 protein. This variant is not present in population databases (gnomAD no frequency). This premature translational stop signal has been observed in individual(s) with autosomal dominant retinitis pigmentosa (internal data). ClinVar contains an entry for this variant (Variation ID: 2108406). This variant disrupts the C-terminus of the RP1 protein. Many variants that disrupt this region have been reported in individuals with either autosomal dominant or autosomal recessive retinitis pigmentosa (PMID: 11527933, 19933189, 29425069, 30027431, 33681214). Therefore, variants that disrupt this region are expected to be disease-causing. For these reasons, this variant has been classified as Pathogenic.

Literature cited by the submitters: PubMed 11527933; PubMed 19933189; PubMed 29425069; PubMed 30027431; PubMed 33681214.